The following is an entry in ClinVar:

ClinVar aggregate classification (germline): Uncertain significance (1 of 4 stars; one submission).

Submission:

Mayo Clinic Laboratories, Mayo Clinic
Classification: Uncertain significance. Last evaluated: 2025-08-12. Review status: criteria provided, single submitter. Criteria: ACMG Guidelines, 2015. Collection method: clinical testing. Allele origin: germline. Observed: 2 variant alleles.
Comment: PM2_supporting

NM_001110556.2(FLNA):c.1329C>T (p.Arg443=)

Gene: FLNA (filamin A; minus strand). Cytogenetic location: Xq28.
Variant type: single nucleotide variant.
Coding change: c.1329C>T on transcript NM_001110556.2 (MANE Select); coding-DNA position 1329, C replaced by T.
Protein change: p.Arg443=; no amino-acid change (arginine 443 retained).
Molecular consequence: synonymous variant.
Genome position (GRCh38, 1-based): chrX:154,366,124, G>A on the plus strand (C>T on the coding strand, the complement: FLNA is on the minus strand). VCF-style: chrX-154366124-G-A. GRCh37 (hg19) VCF-style: chrX-153594492-G-A.
Other names: p.Arg443=; c.1329C>T, p.Arg443= (NM_001456.4).
Identifiers: ClinVar variation 4542512 (VCV004542512.1).
Genomic context (GRCh38, chrX:154,366,124, plus strand): 5'-CACGCCGGCAAACGTGACGTGCACGGTGTGGACGCCCTCCATGGTGGGCTGGTAGCTGCA[G>A]CGGTATGTGCTGTCGCCCCGGGCCTCCAGCTGAGGCTCTACCGTGCCCTTCTGTCCCATG-3'
Protein context (NP_001104026.1, residues 433-453): QLEARGDSTY[Arg443=]CSYQPTMEGV